The following is an entry in ClinVar:

ClinVar aggregate classification (germline): Uncertain significance (1 of 4 stars; one submission).

Conditions:
PTPRQ-related disorder. Also called: PTPRQ-related condition.

gnomAD v4.1: 199 of 1,551,614 alleles (0.013%); highest among the groups gnomAD compares: African/African-American, 0.26%; no homozygotes.

Submission:

PreventionGenetics, part of Exact Sciences
Classification: Uncertain significance for PTPRQ-related condition. Last evaluated: 2026-07-27. Review status: criteria provided, single submitter. Criteria: ACMG Guidelines, 2015. Collection method: clinical testing. Allele origin: germline.
Comment: The PTPRQ c.1135A>C variant is predicted to result in the amino acid substitution p.Ser379Arg. This variant was reported together with second PTPRQ variant in an individual with Hearing loss (patient 258, Table S3, Sloan-Heggen et al. 2016. PubMed ID: 26969326). This variant is reported in 0.28% of alleles in individuals of African descent in gnomAD. Although we suspect that this variant may be benign, at this time, the clinical significance of this variant is uncertain due to the absence of conclusive functional and genetic evidence.

NM_001145026.2(PTPRQ):c.1135A>C (p.Ser379Arg)

Gene: PTPRQ (protein tyrosine phosphatase receptor type Q; plus strand). Cytogenetic location: 12q21.31.
Variant type: single nucleotide variant.
Coding change: c.1135A>C on transcript NM_001145026.2 (MANE Select); coding-DNA position 1135, A replaced by C.
Protein change: p.Ser379Arg; replaces serine 379 with arginine.
Molecular consequence: missense variant.
Genome position (GRCh38, 1-based): chr12:80,472,200, A>C. VCF-style: chr12-80472200-A-C. GRCh37 (hg19) VCF-style: chr12-80865979-A-C.
Other names: short protein forms S379R.
Identifiers: ClinVar variation 4982397 (VCV004982397.1).